The following is an entry in ClinVar:

ClinVar aggregate classification (germline): Uncertain significance (1 of 4 stars; one submission).

Conditions:
KBG syndrome (KBGS). Also called: ANKRD11-Related KBG Syndrome. Identifiers: Orphanet 2332, MedGen C0220687, MONDO:0007846, OMIM 148050.

gnomAD v4.1: 1 of 1,613,596 alleles (0.000062%); no homozygotes.

Submission:

Labcorp Genetics (formerly Invitae), Labcorp
Classification: Uncertain significance for KBG syndrome. Last evaluated: 2023-05-23. Review status: criteria provided, single submitter. Criteria: Invitae Variant Classification Sherloc (09022015). Collection method: clinical testing. Allele origin: germline.
Comment: In summary, the available evidence is currently insufficient to determine the role of this variant in disease. Therefore, it has been classified as a Variant of Uncertain Significance. Advanced modeling of protein sequence and biophysical properties (such as structural, functional, and spatial information, amino acid conservation, physicochemical variation, residue mobility, and thermodynamic stability) performed at Invitae indicates that this missense variant is not expected to disrupt ANKRD11 protein function. This variant has not been reported in the literature in individuals affected with ANKRD11-related conditions. This variant is not present in population databases (gnomAD no frequency). This sequence change replaces arginine, which is basic and polar, with serine, which is neutral and polar, at codon 1268 of the ANKRD11 protein (p.Arg1268Ser).

NM_013275.6(ANKRD11):c.3804G>T (p.Arg1268Ser)

Gene: ANKRD11 (ankyrin repeat domain 11; minus strand). Cytogenetic location: 16q24.3.
Variant type: single nucleotide variant.
Coding change: c.3804G>T on transcript NM_013275.6 (MANE Select); coding-DNA position 3804, G replaced by T.
Protein change: p.Arg1268Ser; replaces arginine 1268 with serine.
Molecular consequence: missense variant.
Genome position (GRCh38, 1-based): chr16:89,282,738, C>A on the plus strand (G>T on the coding strand, the complement: ANKRD11 is on the minus strand). VCF-style: chr16-89282738-C-A. GRCh37 (hg19) VCF-style: chr16-89349146-C-A.
Other names: c.3804G>T, p.Arg1268Ser (NM_001256182.2, NM_001256183.2); short protein forms R1268S.
Identifiers: ClinVar variation 2867285 (VCV002867285.3), dbSNP rs2034364574, ClinGen allele CA397158959.